The following is an entry in ClinVar:

ClinVar aggregate classification (germline): Pathogenic (1 of 4 stars; one submission).

Submission:

GeneDx
Classification: Pathogenic. Last evaluated: 2026-02-27. Review status: criteria provided, single submitter. Criteria: GeneDx Variant Classification Process June 2021. Collection method: clinical testing. Allele origin: germline.
Comment: Nonsense variant predicted to result in protein truncation or nonsense mediated decay in a gene for which loss of function is a known mechanism of disease; Not observed at significant frequency in large population cohorts (gnomAD); Has not been previously published as pathogenic or benign to our knowledge

NM_000612.6(IGF2):c.202G>T (p.Glu68Ter)

Genes: IGF2 (insulin like growth factor 2; minus strand), INS-IGF2 (INS-IGF2 readthrough; minus strand). Cytogenetic location: 11p15.5.
Variant type: single nucleotide variant.
Coding change: c.202G>T on transcript NM_000612.6 (MANE Select); coding-DNA position 202, G replaced by T.
Protein change: p.Glu68Ter; replaces glutamic acid 68 with a stop codon.
Molecular consequence: nonsense. On other transcripts: non-coding transcript variant (1).
Genome position (GRCh38, 1-based): chr11:2,133,621, C>A on the plus strand (G>T on the coding strand, the complement: IGF2 is on the minus strand). VCF-style: chr11-2133621-C-A. GRCh37 (hg19) VCF-style: chr11-2154851-C-A.
Other names: c.202G>T, p.Glu68Ter (NM_001007139.6, NM_001291861.3, NM_001291862.3); c.370G>T, p.Glu124Ter (NM_001127598.3); short protein forms E124*, E68*.
Identifiers: ClinVar variation 4891437 (VCV004891437.1).